The following is an entry in ClinVar:

NM_001001671.4(MAP3K15):c.2076G>A (p.Gln692=)

Gene: MAP3K15 (mitogen-activated protein kinase kinase kinase 15; minus strand). Cytogenetic location: Xp22.12.
Variant type: single nucleotide variant.
Coding change: c.2076G>A on transcript NM_001001671.4 (MANE Select); coding-DNA position 2076, G replaced by A.
Protein change: p.Gln692=; no amino-acid change (glutamine 692 retained).
Molecular consequence: synonymous variant.
Genome position (GRCh38, 1-based): chrX:19,395,199, C>T on the plus strand (G>A on the coding strand, the complement: MAP3K15 is on the minus strand). VCF-style: chrX-19395199-C-T. GRCh37 (hg19) VCF-style: chrX-19413317-C-T.
Identifiers: ClinVar variation 3034999 (VCV003034999.2), dbSNP rs141688905, ClinGen allele CA10363858.

ClinVar aggregate classification (germline): Benign (0 of 4 stars; one submission).

Conditions:
MAP3K15-related disorder. Also called: MAP3K15-related condition.

Allele frequency attached by ClinVar (database versions not stated): gnomAD exomes 0.00033; ExAC 0.00117; 1000 Genomes Project 30x 0.00229; 1000 Genomes Project 0.00238; gnomAD 0.00312; TOPMed 0.00382; ESP Exome Variant Server 0.00464.
gnomAD v4.1: 706 of 1,203,805 alleles (0.059%); highest among the groups gnomAD compares: African/African-American, 1.1%; 2 homozygotes.

Submission:

PreventionGenetics, part of Exact Sciences
Classification: Benign for MAP3K15-related condition. Last evaluated: 2019-08-09. Review status: no assertion criteria provided. Collection method: clinical testing. Allele origin: germline.
Comment: This variant is classified as benign based on ACMG/AMP sequence variant interpretation guidelines (Richards et al. 2015 PMID: 25741868, with internal and published modifications).